The following is an entry in ClinVar:

ClinVar aggregate classification (germline): Pathogenic (1 of 4 stars; one submission).

Conditions:
Retinitis pigmentosa 11 (RP11). Identifiers: Orphanet 791, MedGen C1838601, MONDO:0010828, OMIM 600138.

Submission:

Broad Center for Mendelian Genomics, Broad Institute of MIT and Harvard
Classification: Pathogenic for Retinitis pigmentosa 11. Last evaluated: 2023-08-24. Review status: criteria provided, single submitter. Criteria: ACMG/ClinGen CNV Guidelines, 2019. Collection method: research. Allele origin: unknown. Inheritance: Autosomal dominant inheritance. Affected: yes.
Comment: A heterozygous deletion of exons 4-14 in PRPF31 (NM_015629.4) was identified by exome sequencing in one individual with retinitis pigmentosa ([GRCh 38] chr19:54121739_54131817x1)(PMID: 34906470). The presence of this deletion was validated by ddPCR. These breakpoints have been estimated by exome sequencing only and therefore may not reflect the true breakpoints. Inheritance information is unavailable. The patient phenotype is nonspecific, but is consistent with cases described in the literature and/or published databases with overlapping variants. There is partial overlap with the 3’ and additional exons (NMD is expected to occur) of the PRPF31 gene. This alteration is then predicted to lead to a truncated or absent protein. Although the PRPF31 gene has not yet been evaluated by the ClinGen dosage sensitivity working group, the full gene deletion of PRPF31 has been curated as pathogenic by the Broad Institute Rare Disease Group (Broad Institute) due to a sufficient number LoF variants in this gene being identified individuals and/or families with retinitis pigmentosa (PMID: 29260190, 29957067, 22334370, 30543658), and therefore heterozygous loss of function of the PRPF31 gene is strongly associated to PRPF31-related retinopathy. In summary, this variant meets criteria to be classified as pathogenic for autosomal dominant retinitis pigmentosa. The ACMG/ClinGen evidence codes and points used in this curation are as follows: 1: 0 points, 2: 0.90 points, 3: 0 points, 4-5: 0.10 points; Total: 1.0 points; Riggs 2020 (PMID: 31690835).

Literature cited by the submitters: PubMed 34906470; PubMed 29260190; PubMed 29957067; PubMed 22334370; PubMed 30543658.

GRCh38/hg38 19q13.42(chr19:54121739-54131817)x1

Genes: PRPF31 (pre-mRNA processing factor 31; plus strand), PRPF31-AS1 (PRPF31 antisense RNA 1; minus strand). Cytogenetic location: 19q13.42.
Variant type: copy number loss.
Change: copy number 1 (one copy instead of two) of chr19:54,121,739-54,131,817 (10.1 kb, GRCh38 coordinates, 1-based), cytogenetic band 19q13.42.
Identifiers: ClinVar variation 2579239 (VCV002579239.1).